The following is an entry in ClinVar:

NM_005733.3(KIF20A):c.2307A>T (p.Gly769=)

Gene: KIF20A (kinesin family member 20A; plus strand). Cytogenetic location: 5q31.2.
Variant type: single nucleotide variant.
Coding change: c.2307A>T on transcript NM_005733.3 (MANE Select); coding-DNA position 2307, A replaced by T.
Protein change: p.Gly769=; no amino-acid change (glycine 769 retained).
Molecular consequence: synonymous variant.
Genome position (GRCh38, 1-based): chr5:138,186,383, A>T. VCF-style: chr5-138186383-A-T. GRCh37 (hg19) VCF-style: chr5-137522072-A-T.
Identifiers: ClinVar variation 1953069 (VCV001953069.5), dbSNP rs763143210, ClinGen allele CA3426880.
Genomic context (GRCh38, chr5:138,186,383, plus strand): 5'-GAAACTTGGTGAGTCTCTCCAATCAGCAGAGAGAGCTTGTTGCCACAGCACTGGGGCAGG[A>T]AAACTTCGTCAAGCCTTGACCACTTGTGATGACATCTTAATCAAACAGGTTAGGGCAAAC-3'
Protein context (NP_005724.1, residues 759-779): ERACCHSTGA[Gly769=]KLRQALTTCD

ClinVar aggregate classification (germline): Uncertain significance (1 of 4 stars; one submission).

Allele frequency attached by ClinVar (database versions not stated): gnomAD exomes below 0.00001; ExAC 0.00001.
gnomAD v4.1: 2 of 1,610,662 alleles (0.00012%); highest among the groups gnomAD compares: Non-Finnish European, 0.00017%; no homozygotes.

Submission:

Labcorp Genetics (formerly Invitae), Labcorp
Classification: Uncertain significance. Last evaluated: 2022-10-24. Review status: criteria provided, single submitter. Criteria: Invitae Variant Classification Sherloc (09022015). Collection method: clinical testing. Allele origin: germline.
Comment: This sequence change affects codon 769 of the KIF20A mRNA. It is a 'silent' change, meaning that it does not change the encoded amino acid sequence of the KIF20A protein. This variant is present in population databases (rs763143210, gnomAD 0.0009%). This variant has not been reported in the literature in individuals affected with KIF20A-related conditions. Algorithms developed to predict the effect of sequence changes on RNA splicing suggest that this variant may disrupt the consensus splice site. In summary, the available evidence is currently insufficient to determine the role of this variant in disease. Therefore, it has been classified as a Variant of Uncertain Significance.